The following is an entry in ClinVar:

ClinVar aggregate classification (germline): Uncertain significance. Review status: criteria provided, single submitter (1 of 4 stars). 2 submissions from 2 submitters: Uncertain significance (1). 1 of the submissions does not count toward it. Last evaluated 2023-12-11.

Conditions:
MYO5B-related disorder. Also called: MYO5B-related condition.

Allele frequency attached by ClinVar (database versions not stated): gnomAD 0.00003 and 0.00004; ExAC 0.00006; gnomAD exomes 0.00006; TOPMed 0.00008; ESP Exome Variant Server 0.00016.
gnomAD v4.1: 91 of 1,614,018 alleles (0.0056%); highest among the groups gnomAD compares: Admixed American, 0.02%; no homozygotes.

Submissions (2):

Labcorp Genetics (formerly Invitae), Labcorp
Classification: Uncertain significance. Last evaluated: 2023-12-11. Review status: criteria provided, single submitter. Criteria: Invitae Variant Classification Sherloc (09022015). Collection method: clinical testing. Allele origin: germline.
Comment: This sequence change replaces isoleucine, which is neutral and non-polar, with methionine, which is neutral and non-polar, at codon 612 of the MYO5B protein (p.Ile612Met). This variant is present in population databases (rs370589682, gnomAD 0.01%). This variant has not been reported in the literature in individuals affected with MYO5B-related conditions. ClinVar contains an entry for this variant (Variation ID: 1046670). Advanced modeling of protein sequence and biophysical properties (such as structural, functional, and spatial information, amino acid conservation, physicochemical variation, residue mobility, and thermodynamic stability) performed at Invitae indicates that this missense variant is not expected to disrupt MYO5B protein function with a negative predictive value of 80%. In summary, the available evidence is currently insufficient to determine the role of this variant in disease. Therefore, it has been classified as a Variant of Uncertain Significance.

PreventionGenetics, part of Exact Sciences
Classification: Uncertain significance for MYO5B-related condition. Last evaluated: 2024-09-11. Review status: no assertion criteria provided. Collection method: clinical testing. Allele origin: germline. Not counted in ClinVar's aggregate classification.
Comment: The MYO5B c.1836C>G variant is predicted to result in the amino acid substitution p.Ile612Met. To our knowledge, this variant has not been reported in the literature. This variant is reported in 0.012% of alleles in individuals of Latino descent in gnomAD. At this time, the clinical significance of this variant is uncertain due to the absence of conclusive functional and genetic evidence.

NM_001080467.3(MYO5B):c.1836C>G (p.Ile612Met)

Gene: MYO5B (myosin VB; minus strand). Cytogenetic location: 18q21.1.
Variant type: single nucleotide variant.
Coding change: c.1836C>G on transcript NM_001080467.3 (MANE Select); coding-DNA position 1836, C replaced by G.
Protein change: p.Ile612Met; replaces isoleucine 612 with methionine.
Molecular consequence: missense variant.
Genome position (GRCh38, 1-based): chr18:49,937,314, G>C on the plus strand (C>G on the coding strand, the complement: MYO5B is on the minus strand). VCF-style: chr18-49937314-G-C. GRCh37 (hg19) VCF-style: chr18-47463684-G-C.
Other names: c.1836C>G (NM_001080467.2); short protein forms I612M.
Identifiers: ClinVar variation 1046670 (VCV001046670.5), dbSNP rs370589682, ClinGen allele CA8961358.